The following is an entry in ClinVar:

NM_003038.5(SLC1A4):c.1380G>A (p.Thr460=)

Gene: SLC1A4 (solute carrier family 1 member 4; plus strand). Cytogenetic location: 2p14.
Variant type: single nucleotide variant.
Coding change: c.1380G>A on transcript NM_003038.5 (MANE Select); coding-DNA position 1380, G replaced by A.
Protein change: p.Thr460=; no amino-acid change (threonine 460 retained).
Molecular consequence: synonymous variant.
Genome position (GRCh38, 1-based): chr2:65,020,927, G>A. VCF-style: chr2-65020927-G-A. GRCh37 (hg19) VCF-style: chr2-65248061-G-A.
Other names: c.486G>A, p.Thr162= (NM_001193493.2); c.720G>A, p.Thr240= (NM_001348406.2, NM_001348407.2).
Identifiers: ClinVar variation 444501 (VCV000444501.56), dbSNP rs144265531, ClinGen allele CA1686172.

ClinVar aggregate classification (germline): Benign/Likely benign. Review status: criteria provided, multiple submitters, no conflicts (2 of 4 stars). 4 submissions from 4 submitters: Benign (1); Likely benign (3). Last evaluated 2026-01-15.

Allele frequency attached by ClinVar (database versions not stated): 1000 Genomes Project 30x 0.00125; 1000 Genomes Project 0.00160; TOPMed 0.00162; ESP Exome Variant Server 0.00208; gnomAD exomes 0.00262 and 0.00292; ExAC 0.00271; gnomAD 0.00300.
gnomAD v4.1: 4,545 of 1,614,074 alleles (0.28%); highest among the groups gnomAD compares: Non-Finnish European, 0.3%; 17 homozygotes.

Submissions (4):

Labcorp Genetics (formerly Invitae), Labcorp
Classification: Benign. Last evaluated: 2026-01-15. Review status: criteria provided, single submitter. Criteria: Invitae Variant Classification Sherloc (09022015). Collection method: clinical testing. Allele origin: germline.

Blueprint Genetics
Classification: Likely benign. Last evaluated: 2024-11-22. Review status: criteria provided, single submitter. Criteria: ACMG Guidelines, 2015. Collection method: clinical testing. Allele origin: germline.

CeGaT Center for Human Genetics Tuebingen
Classification: Likely benign. Last evaluated: 2024-08-01. Review status: criteria provided, single submitter. Criteria: CeGaT Center For Human Genetics Tuebingen Variant Classification Criteria Version 2. Collection method: clinical testing. Allele origin: germline. Affected: yes. Observed: 6 variant alleles.
Comment: LINC02245: BS2; SLC1A4: BP4, BP7, BS2

Genetic Services Laboratory, University of Chicago
Classification: Likely benign. Last evaluated: 2019-01-10. Review status: criteria provided, single submitter. Criteria: ACMG Guidelines, 2015. Collection method: clinical testing. Allele origin: germline. Affected: no.